The following is an entry in ClinVar:

NM_018344.6(SLC29A3):c.479G>A (p.Trp160Ter)

Gene: SLC29A3 (solute carrier family 29 member 3; plus strand). Cytogenetic location: 10q22.1.
Variant type: single nucleotide variant.
Coding change: c.479G>A on transcript NM_018344.6 (MANE Select); coding-DNA position 479, G replaced by A.
Protein change: p.Trp160Ter; replaces tryptophan 160 with a stop codon.
Molecular consequence: nonsense. On other transcripts: non-coding transcript variant (1).
Genome position (GRCh38, 1-based): chr10:71,351,657, G>A. VCF-style: chr10-71351657-G-A. GRCh37 (hg19) VCF-style: chr10-73111414-G-A.
Other names: c.479G>A, p.Trp160Ter (NM_001174098.2); c.245G>A, p.Trp82Ter (NM_001363518.2); short protein forms W160*, W82*.
Identifiers: ClinVar variation 573984 (VCV000573984.41), dbSNP rs776960135, ClinGen allele CA5542942.

ClinVar aggregate classification (germline): Pathogenic/Likely pathogenic. Review status: criteria provided, multiple submitters, no conflicts (2 of 4 stars). 3 submissions from 3 submitters: Pathogenic (2); Likely pathogenic (1). Last evaluated 2025-11-05.

Conditions:
H syndrome. Also called: Histiocytosis with joint contractures and sensorineural deafness; Pigmented hypertrichosis and insulin-dependent diabetes mellitus; FAISALABAD HISTIOCYTOSIS; Asrar Facharzt Haque syndrome; HISTIOCYTOSIS AND LYMPHADENOPATHY WITH OR WITHOUT CUTANEOUS, CARDIAC, AND/OR ENDOCRINE FEATURES, JOINT CONTRACTURES, AND/OR DEAFNESS; HYPERPIGMENTATION, CUTANEOUS, WITH HYPERTRICHOSIS, HEPATOSPLENOMEGALY, HEART ANOMALIES, AND HYPOGONADISM WITH OR WITHOUT HEARING LOSS. Identifiers: Orphanet 168569, MedGen C1864445, MONDO:0011273, OMIM 602782.

Allele frequency attached by ClinVar (database versions not stated): gnomAD exomes below 0.00001; ExAC 0.00001.

Submissions (3):

Labcorp Genetics (formerly Invitae), Labcorp
Classification: Pathogenic for H syndrome. Last evaluated: 2025-11-05. Review status: criteria provided, single submitter. Criteria: Invitae Variant Classification Sherloc (09022015). Collection method: clinical testing. Allele origin: germline.
Comment: This sequence change creates a premature translational stop signal (p.Trp160*) in the SLC29A3 gene. It is expected to result in an absent or disrupted protein product. Loss-of-function variants in SLC29A3 are known to be pathogenic (PMID: 19336477, 20595384, 23406517, 25963354). This variant is present in population databases (rs776960135, gnomAD 0.003%). This premature translational stop signal has been observed in individual(s) with H syndrome (PMID: 31464584, 38965556). ClinVar contains an entry for this variant (Variation ID: 573984). For these reasons, this variant has been classified as Pathogenic.

3billion
Classification: Pathogenic for H syndrome. Last evaluated: 2025-09-16. Review status: criteria provided, single submitter. Criteria: ACMG Guidelines, 2015. Collection method: clinical testing. Allele origin: germline. Affected: yes.
Comment: The variant is observed at an extremely low frequency in the gnomAD v4.1.0 dataset (total allele frequency: <0.001%). Predicted Consequence/Location: Stop-gained (nonsense): predicted to result in a loss or disruption of normal protein function through nonsense-mediated decay (NMD) or protein truncation. Multiple pathogenic variants are reported downstream of the variant. The variant has been reported at least twice as pathogenic without evidence for the classification (ClinVar ID: VCV000573984 /PMID: 38965556). Therefore, this variant is classified as Pathogenic according to the recommendation of ACMG/AMP guideline.

CeGaT Center for Human Genetics Tuebingen
Classification: Likely pathogenic. Last evaluated: 2021-07-01. Review status: criteria provided, single submitter. Criteria: CeGaT Center For Human Genetics Tuebingen Variant Classification Criteria Version 2. Collection method: clinical testing. Allele origin: germline. Affected: yes. Observed: 1 variant allele.

Literature cited by the submitters: PubMed 19336477 (cited by Labcorp Genetics (formerly Invitae), Labcorp); PubMed 20595384 (cited by Labcorp Genetics (formerly Invitae), Labcorp); PubMed 23406517 (cited by Labcorp Genetics (formerly Invitae), Labcorp); PubMed 25963354 (cited by Labcorp Genetics (formerly Invitae), Labcorp); PubMed 31464584 (cited by Labcorp Genetics (formerly Invitae), Labcorp); PubMed 38965556 (cited by Labcorp Genetics (formerly Invitae), Labcorp and 3billion).